The following is an entry in ClinVar:

ClinVar aggregate classification (germline): Uncertain significance (1 of 4 stars; one submission).

Conditions:
Hereditary cancer-predisposing syndrome. Also called: Neoplastic Syndromes, Hereditary; Tumor predisposition; Hereditary neoplastic syndrome; Hereditary Cancer Syndrome. Identifiers: Orphanet 140162, MedGen C0027672, MeSH D009386, MONDO:0015356.

gnomAD v4.1: 2 of 1,614,058 alleles (0.00012%); no homozygotes.

Submission:

Ambry Genetics
Classification: Uncertain significance for Hereditary cancer-predisposing syndrome. Last evaluated: 2026-07-02. Review status: criteria provided, single submitter. Criteria: Ambry Variant Classification Scheme 2023. Collection method: clinical testing. Allele origin: germline.
Comment: The p.V2746I variant (also known as c.8236G>A), located in coding exon 15 of the APC gene, results from a G to A substitution at nucleotide position 8236. The valine at codon 2746 is replaced by isoleucine, an amino acid with highly similar properties. This amino acid position is conserved. In addition, in silico predictors for this gene do not accurately predict pathogenicity. Based on the available evidence, the clinical significance of this variant remains unclear.

NM_000038.6(APC):c.8236G>A (p.Val2746Ile)

Gene: APC (APC regulator of Wnt signaling pathway; plus strand). Cytogenetic location: 5q22.2.
Variant type: single nucleotide variant.
Coding change: c.8236G>A on transcript NM_000038.6 (MANE Select); coding-DNA position 8236, G replaced by A.
Protein change: p.Val2746Ile; replaces valine 2746 with isoleucine.
Molecular consequence: missense variant. On other transcripts: non-coding transcript variant (2).
Genome position (GRCh38, 1-based): chr5:112,843,830, G>A. VCF-style: chr5-112843830-G-A. GRCh37 (hg19) VCF-style: chr5-112179527-G-A.
Other names: c.8236G>A, p.Val2746Ile (NM_001127510.3, NM_001354895.2, NM_001407450.1); c.8182G>A, p.Val2728Ile (NM_001127511.3); c.8290G>A, p.Val2764Ile (NM_001354896.2, NM_001407447.1, NM_001407448.1 and 1 more transcripts); c.8266G>A, p.Val2756Ile (NM_001354897.2); c.8161G>A, p.Val2721Ile (NM_001354898.2); c.8152G>A, p.Val2718Ile (NM_001354899.2); c.8113G>A, p.Val2705Ile (NM_001354900.2); c.8059G>A, p.Val2687Ile (NM_001354901.2, NM_001407453.1); and 11 more; short protein forms V2362I, V2586I, V2718I, V2728I, V2774I, V2463I, V2620I, V2687I.
Identifiers: ClinVar variation 5024846 (VCV005024846.1).